The following is an entry in ClinVar:

ClinVar aggregate classification (germline): Likely benign (1 of 4 stars; one submission).

Allele frequency attached by ClinVar (database versions not stated): ExAC 0.00026; 1000 Genomes Project 30x 0.00219; 1000 Genomes Project 0.01298.

Submission:

CeGaT Center for Human Genetics Tuebingen
Classification: Likely benign. Last evaluated: 2024-07-01. Review status: criteria provided, single submitter. Criteria: CeGaT Center For Human Genetics Tuebingen Variant Classification Criteria Version 2. Collection method: clinical testing. Allele origin: germline. Affected: yes. Observed: 2 variant alleles.
Comment: FLG: BP4, BP7

NM_002016.2(FLG):c.10203G>A (p.Gly3401=)

Genes: CCDST (cervical cancer associated DHX9 suppressive transcript; plus strand), FLG (filaggrin; minus strand). Cytogenetic location: 1q21.3.
Variant type: single nucleotide variant.
Coding change: c.10203G>A on transcript NM_002016.2 (MANE Select); coding-DNA position 10203, G replaced by A.
Protein change: p.Gly3401=; no amino-acid change (glycine 3401 retained).
Molecular consequence: synonymous variant.
Genome position (GRCh38, 1-based): chr1:152,304,683, C>T on the plus strand (G>A on the coding strand, the complement: FLG is on the minus strand). VCF-style: chr1-152304683-C-T. GRCh37 (hg19) VCF-style: chr1-152277159-C-T.
Identifiers: ClinVar variation 2639239 (VCV002639239.24), dbSNP rs563764210, ClinGen allele CA1103481.